The following is an entry in ClinVar:

ClinVar aggregate classification (germline): Conflicting classifications of pathogenicity. Review status: criteria provided, conflicting classifications (1 of 4 stars). 2 submissions from 2 submitters: Uncertain significance (1); Likely benign (1). Last evaluated 2025-10-05.

Conditions:
Inborn genetic diseases. Identifiers: MedGen C0950123, MeSH D030342.
Autosomal recessive severe congenital neutropenia due to G6PC3 deficiency. Also called: G6PC3 Deficiency; NEUTROPENIA, SEVERE CONGENITAL, 4, AUTOSOMAL RECESSIVE. Identifiers: Orphanet 331176, MedGen C2751630, MONDO:0012930, OMIM 612541.

Allele frequency attached by ClinVar (database versions not stated): gnomAD exomes below 0.00001; TOPMed 0.00001.

Submissions (2):

Ambry Genetics
Classification: Likely benign for Inborn genetic diseases. Last evaluated: 2025-10-05. Review status: criteria provided, single submitter. Criteria: Ambry Variant Classification Scheme 2023. Collection method: clinical testing. Allele origin: germline.

Labcorp Genetics (formerly Invitae), Labcorp
Classification: Uncertain significance for Autosomal recessive severe congenital neutropenia due to G6PC3 deficiency. Last evaluated: 2022-07-30. Review status: criteria provided, single submitter. Criteria: Invitae Variant Classification Sherloc (09022015). Collection method: clinical testing. Allele origin: germline.
Comment: This sequence change replaces histidine, which is basic and polar, with tyrosine, which is neutral and polar, at codon 302 of the G6PC3 protein (p.His302Tyr). This variant is not present in population databases (gnomAD no frequency). This variant has not been reported in the literature in individuals affected with G6PC3-related conditions. ClinVar contains an entry for this variant (Variation ID: 948710). Algorithms developed to predict the effect of missense changes on protein structure and function output the following: SIFT: "Tolerated"; PolyPhen-2: "Benign"; Align-GVGD: "Class C0". The tyrosine amino acid residue is found in multiple mammalian species, which suggests that this missense change does not adversely affect protein function. In summary, the available evidence is currently insufficient to determine the role of this variant in disease. Therefore, it has been classified as a Variant of Uncertain Significance.

NM_138387.4(G6PC3):c.904C>T (p.His302Tyr)

Gene: G6PC3 (glucose-6-phosphatase catalytic subunit 3; plus strand). Cytogenetic location: 17q21.31.
Variant type: single nucleotide variant.
Coding change: c.904C>T on transcript NM_138387.4 (MANE Select); coding-DNA position 904, C replaced by T.
Protein change: p.His302Tyr; replaces histidine 302 with tyrosine.
Molecular consequence: missense variant. On other transcripts: 3 prime UTR variant (1).
Genome position (GRCh38, 1-based): chr17:44,075,906, C>T. VCF-style: chr17-44075906-C-T. GRCh37 (hg19) VCF-style: chr17-42153274-C-T.
Other names: c.*197C>T (NM_001319945.2); c.559C>T, p.His187Tyr (NM_001384165.1, NM_001384166.1, NM_001384167.1 and 1 more transcripts); short protein forms H302Y, H187Y.
Identifiers: ClinVar variation 948710 (VCV000948710.8), dbSNP rs2050096005, ClinGen allele CA399729556.
Genomic context (GRCh38, chr17:44,075,906, plus strand): 5'-CAGAAGATAGCCTGCCTTGTGCTGGCCATGGGGCTGCTGGGCCCCCTGGACTGGCTGGGC[C>T]ACCCCCCTCAGATCAGCCTCTTCTACATTTTCAATTTCCTCAAGTACACCCTCTGGCCAT-3'
Protein context (NP_612396.1, residues 292-312): GLLGPLDWLG[His302Tyr]PPQISLFYIF